The following is an entry in ClinVar:

ClinVar aggregate classification (germline): Uncertain significance (1 of 4 stars; one submission).

Allele frequency attached by ClinVar (database versions not stated): gnomAD exomes below 0.00001.
gnomAD v4.1: 1 of 1,614,024 alleles (0.000062%); highest among the groups gnomAD compares: Non-Finnish European, 0.000085%; no homozygotes.

Submission:

Labcorp Genetics (formerly Invitae), Labcorp
Classification: Uncertain significance. Last evaluated: 2022-04-09. Review status: criteria provided, single submitter. Criteria: Invitae Variant Classification Sherloc (09022015). Collection method: clinical testing. Allele origin: germline.
Comment: This sequence change replaces cysteine, which is neutral and slightly polar, with arginine, which is basic and polar, at codon 511 of the PLXNA2 protein (p.Cys511Arg). This variant is not present in population databases (gnomAD no frequency). This variant has not been reported in the literature in individuals affected with PLXNA2-related conditions. Algorithms developed to predict the effect of missense changes on protein structure and function are either unavailable or do not agree on the potential impact of this missense change (SIFT: "Deleterious"; PolyPhen-2: "Probably Damaging"; Align-GVGD: "Class C0"). In summary, the available evidence is currently insufficient to determine the role of this variant in disease. Therefore, it has been classified as a Variant of Uncertain Significance.

NM_025179.4(PLXNA2):c.1531T>C (p.Cys511Arg)

Gene: PLXNA2 (plexin A2; minus strand). Cytogenetic location: 1q32.2.
Variant type: single nucleotide variant.
Coding change: c.1531T>C on transcript NM_025179.4 (MANE Select); coding-DNA position 1531, T replaced by C.
Protein change: p.Cys511Arg; replaces cysteine 511 with arginine.
Molecular consequence: missense variant.
Genome position (GRCh38, 1-based): chr1:208,103,223, A>G on the plus strand (T>C on the coding strand, the complement: PLXNA2 is on the minus strand). VCF-style: chr1-208103223-A-G. GRCh37 (hg19) VCF-style: chr1-208276568-A-G.
Other names: short protein forms C511R.
Identifiers: ClinVar variation 2087087 (VCV002087087.4), dbSNP rs200125065, ClinGen allele CA36712605.